The following is an entry in ClinVar:

ClinVar aggregate classification (germline): Benign. Review status: criteria provided, multiple submitters, no conflicts (2 of 4 stars). 2 submissions from 2 submitters: Benign (2). Last evaluated 2018-08-30.

Allele frequency attached by ClinVar (database versions not stated): gnomAD 0.31748 and 0.32573; TOPMed 0.32912; 1000 Genomes Project 0.33147; 1000 Genomes Project 30x 0.34447.
gnomAD v4.1: 123,451 of 528,266 alleles (23%); highest among the groups gnomAD compares: African/African-American, 65%; 20,265 homozygotes.

Submissions (2):

GeneDx
Classification: Benign. Last evaluated: 2018-08-30. Review status: criteria provided, single submitter. Criteria: GeneDx Variant Classification Process June 2021. Collection method: clinical testing. Allele origin: germline. Affected: yes.
Comment: This variant is associated with the following publications: (PMID: 31039173, 25814643)

Breakthrough Genomics
Classification: Benign. Review status: criteria provided, single submitter. Criteria: ACMG Guidelines, 2015. Collection method: not provided. Allele origin: germline. Inheritance: Unknown mechanism. Affected: yes.

NM_005072.5(SLC12A4):c.*1361A>G

Genes: LCAT (lecithin-cholesterol acyltransferase; minus strand), SLC12A4 (solute carrier family 12 member 4; minus strand). Cytogenetic location: 16q22.1.
Variant type: single nucleotide variant.
Coding change: c.*1361A>G on transcript NM_005072.5 (MANE Select); 1361 bases downstream of the stop codon, A replaced by G.
Molecular consequence: 3 prime UTR variant. On other transcripts: intron variant (1).
Genome position (GRCh38, 1-based): chr16:67,943,479, T>C on the plus strand (A>G on the coding strand, the complement: SLC12A4 is on the minus strand). VCF-style: chr16-67943479-T-C. GRCh37 (hg19) VCF-style: chr16-67977382-T-C.
Other names: c.*1361A>G (NM_001145961.2, NM_001145962.1, NM_001145963.2 and 1 more transcripts); c.155-267A>G (NM_000229.2).
Identifiers: ClinVar variation 1221653 (VCV001221653.4), dbSNP rs1109166, ClinGen allele CA14223992.